The following is an entry in ClinVar:

NM_001267550.2(TTN):c.22818A>G (p.Glu7606=)

Gene: TTN (titin; minus strand). Cytogenetic location: 2q31.2.
Variant type: single nucleotide variant.
Coding change: c.22818A>G on transcript NM_001267550.2 (MANE Select); coding-DNA position 22818, A replaced by G.
Protein change: p.Glu7606=; no amino-acid change (glutamic acid 7606 retained).
Molecular consequence: synonymous variant. On other transcripts: intron variant (3).
Genome position (GRCh38, 1-based): chr2:178,721,201, T>C on the plus strand (A>G on the coding strand, the complement: TTN is on the minus strand). VCF-style: chr2-178721201-T-C. GRCh37 (hg19) VCF-style: chr2-179585928-T-C.
Other names: c.21867A>G, p.Glu7289= (NM_001256850.1); c.19086A>G, p.Glu6362= (NM_133378.4); c.13282+16881A>G (NM_003319.4); c.13858+16881A>G (NM_133437.4); c.13657+16881A>G (NM_133432.3).
Identifiers: ClinVar variation 4975968 (VCV004975968.1).

ClinVar aggregate classification (germline): Uncertain significance (1 of 4 stars; one submission).

gnomAD v4.1: 1 of 1,588,482 alleles (0.000063%); highest among the groups gnomAD compares: South Asian, 0.0011%; no homozygotes.

Submission:

GeneDx
Classification: Uncertain significance. Last evaluated: 2026-02-03. Review status: criteria provided, single submitter. Criteria: GeneDx Variant Classification Process June 2021. Collection method: clinical testing. Allele origin: germline.
Comment: Not observed at significant frequency in large population cohorts (gnomAD); Has not been previously published as pathogenic or benign to our knowledge; In silico analysis suggests this variant may impact gene splicing. In the absence of RNA/functional studies, the actual effect of this sequence change is unknown.